The following is an entry in ClinVar:

NM_013322.3(SNX10):c.78G>A (p.Trp26Ter)

Gene: SNX10 (sorting nexin 10; plus strand). Cytogenetic location: 7p15.2.
Variant type: single nucleotide variant.
Coding change: c.78G>A on transcript NM_013322.3 (MANE Select); coding-DNA position 78, G replaced by A.
Protein change: p.Trp26Ter; replaces tryptophan 26 with a stop codon.
Molecular consequence: nonsense.
Genome position (GRCh38, 1-based): chr7:26,361,028, G>A. VCF-style: chr7-26361028-G-A. GRCh37 (hg19) VCF-style: chr7-26400648-G-A.
Other names: c.156G>A, p.Trp52Ter (NM_001362753.1, NM_001362754.1, NM_001318198.1); c.78G>A, p.Trp26Ter (NM_001199835.1, NM_001318199.3); c.69G>A, p.Trp23Ter (NM_001199837.3); short protein forms W26*, W52*, W23*.
Identifiers: ClinVar variation 5007202 (VCV005007202.2).

ClinVar aggregate classification (germline): Likely pathogenic (1 of 4 stars; one submission).

Conditions:
Autosomal recessive osteopetrosis 8. Identifiers: Orphanet 667, MedGen C3554478, MONDO:0014040, OMIM 615085.

Submission:

Juno Genomics, Hangzhou Juno Genomics, Inc
Classification: Likely pathogenic for Autosomal recessive osteopetrosis 8. Review status: criteria provided, single submitter. Criteria: ACMG Guidelines, 2015. Collection method: clinical testing. Allele origin: germline.
Comment: Null variant in a gene where loss of function (LOF) is a known mechanism of disease.;Absent from controls (or at extremely low frequency if recessive) in Genome Aggregation Database.